The following is an entry in ClinVar:

ClinVar aggregate classification (germline): Uncertain significance. Review status: criteria provided, multiple submitters, no conflicts (2 of 4 stars). 3 submissions from 3 submitters: Uncertain significance (3). Last evaluated 2026-06-03.

Conditions:
Inborn genetic diseases. Identifiers: MedGen C0950123, MeSH D030342.
Mowat-Wilson syndrome (MOWS). Also called: Classic Mowat-Wilson Syndrome. Identifiers: Orphanet 2152, MedGen C1856113, MONDO:0009341, OMIM 235730.

Allele frequency attached by ClinVar (database versions not stated): gnomAD exomes 0.00001 and below 0.00001; gnomAD 0.00002; TOPMed 0.00003.
gnomAD v4.1: 12 of 1,613,848 alleles (0.00074%); highest among the groups gnomAD compares: African/African-American, 0.0027%; no homozygotes.

Submissions (3):

Ambry Genetics
Classification: Uncertain significance for Inborn genetic diseases. Last evaluated: 2026-06-03. Review status: criteria provided, single submitter. Criteria: Ambry Variant Classification Scheme 2023. Collection method: clinical testing. Allele origin: germline.
Comment: The c.1049C>T (p.T350M) alteration is located in exon 8 (coding exon 7) of the ZEB2 gene. This alteration results from a C to T substitution at nucleotide position 1049, causing the threonine (T) at amino acid position 350 to be replaced by a methionine (M). Based on data from gnomAD, the T allele has an overall frequency of <0.001% (1/251286) total alleles studied. The highest observed frequency was 0.001% (1/113658) of European (non-Finnish) alleles. Based on insufficient or conflicting evidence, the clinical significance of this alteration remains unclear.

Labcorp Genetics (formerly Invitae), Labcorp
Classification: Uncertain significance for Mowat-Wilson syndrome. Last evaluated: 2024-09-01. Review status: criteria provided, single submitter. Criteria: Invitae Variant Classification Sherloc (09022015). Collection method: clinical testing. Allele origin: germline.
Comment: This sequence change replaces threonine, which is neutral and polar, with methionine, which is neutral and non-polar, at codon 350 of the ZEB2 protein (p.Thr350Met). This variant is present in population databases (no rsID available, gnomAD 0.0009%). This variant has not been reported in the literature in individuals affected with ZEB2-related conditions. ClinVar contains an entry for this variant (Variation ID: 589364). Invitae Evidence Modeling of protein sequence and biophysical properties (such as structural, functional, and spatial information, amino acid conservation, physicochemical variation, residue mobility, and thermodynamic stability) has been performed for this missense variant. However, the output from this modeling did not meet the statistical confidence thresholds required to predict the impact of this variant on ZEB2 protein function. In summary, the available evidence is currently insufficient to determine the role of this variant in disease. Therefore, it has been classified as a Variant of Uncertain Significance.

Genome-Nilou Lab
Classification: Uncertain significance for Mowat-Wilson syndrome. Last evaluated: 2021-11-07. Review status: criteria provided, single submitter. Criteria: ACMG Guidelines, 2015. Collection method: clinical testing. Allele origin: germline. Affected: no.

NM_014795.4(ZEB2):c.1049C>T (p.Thr350Met)

Gene: ZEB2 (zinc finger E-box binding homeobox 2; minus strand). Cytogenetic location: 2q22.3.
Variant type: single nucleotide variant.
Coding change: c.1049C>T on transcript NM_014795.4 (MANE Select); coding-DNA position 1049, C replaced by T.
Protein change: p.Thr350Met; replaces threonine 350 with methionine.
Molecular consequence: missense variant.
Genome position (GRCh38, 1-based): chr2:144,400,138, G>A on the plus strand (C>T on the coding strand, the complement: ZEB2 is on the minus strand). VCF-style: chr2-144400138-G-A. GRCh37 (hg19) VCF-style: chr2-145157705-G-A.
Other names: c.977C>T, p.Thr326Met (NM_001171653.2); short protein forms T350M, T326M.
Identifiers: ClinVar variation 589364 (VCV000589364.18), dbSNP rs975397942, ClinGen allele CA57556248.